The following is an entry in ClinVar:

ClinVar aggregate classification (germline): Uncertain significance (1 of 4 stars; one submission).

Conditions:
Ulnar-mammary syndrome (UMS). Also called: Ulnar-mammary syndrome of Pallister; PALLISTER ULNAR-MAMMARY SYNDROME; SCHINZEL SYNDROME. Identifiers: Orphanet 3138, MedGen C1866994, MONDO:0008411, OMIM 181450.

Submission:

Centre for Mendelian Genomics, University Medical Centre Ljubljana
Classification: Uncertain significance for Ulnar-mammary syndrome. Last evaluated: 2019-05-07. Review status: criteria provided, single submitter. Criteria: ACMG Guidelines, 2015. Collection method: clinical testing. Allele origin: unknown. Affected: yes.
Comment: This variant was classified as: Uncertain significance. The available evidence on this variant's pathogenicity is insufficient or conflicting. The following ACMG criteria were applied in classifying this variant: PM2,PP3.

NM_005996.4(TBX3):c.1477T>G (p.Phe493Val)

Gene: TBX3 (T-box transcription factor 3; minus strand). Cytogenetic location: 12q24.21.
Variant type: single nucleotide variant.
Coding change: c.1477T>G on transcript NM_005996.4 (MANE Select); coding-DNA position 1477, T replaced by G.
Protein change: p.Phe493Val; replaces phenylalanine 493 with valine.
Molecular consequence: missense variant.
Genome position (GRCh38, 1-based): chr12:114,674,398, A>C on the plus strand (T>G on the coding strand, the complement: TBX3 is on the minus strand). VCF-style: chr12-114674398-A-C. GRCh37 (hg19) VCF-style: chr12-115112203-A-C.
Other names: c.1537T>G, p.Phe513Val (NM_016569.4); short protein forms F493V, F513V.
Identifiers: ClinVar variation 931444 (VCV000931444.3), dbSNP rs1868598987, ClinGen allele CA386868864.